The following is an entry in ClinVar:

ClinVar aggregate classification (germline): Benign/Likely benign. Review status: criteria provided, multiple submitters, no conflicts (2 of 4 stars). 5 submissions from 5 submitters: Benign (2); Likely benign (3). Last evaluated 2026-05-23.

Conditions:
KRT9-related disorder. Also called: KRT9-related condition.
Palmoplantar keratoderma, epidermolytic. Also called: Localized epidermolytic hyperkeratosis. Identifiers: MedGen C1721006, MONDO:0968949, HP:0007559.

Allele frequency attached by ClinVar (database versions not stated): gnomAD exomes 0.00093; ExAC 0.00116; gnomAD 0.00354 and 0.00382; TOPMed 0.00356; 1000 Genomes Project 0.00379; 1000 Genomes Project 30x 0.00422; ESP Exome Variant Server 0.00438.
gnomAD v4.1: 1,049 of 1,613,968 alleles (0.065%); highest among the groups gnomAD compares: African/African-American, 1.2%; 7 homozygotes.

Submissions (5):

PreventionGenetics, part of Exact Sciences
Classification: Benign for KRT9-related condition. Last evaluated: 2026-05-23. Review status: criteria provided, single submitter. Criteria: ACMG Guidelines, 2015. Collection method: clinical testing. Allele origin: germline.
Comment: This variant is classified as benign based on ACMG/AMP sequence variant interpretation guidelines (Richards et al. 2015 PMID: 25741868, with internal and published modifications).

Blueprint Genetics
Classification: Likely benign. Last evaluated: 2024-09-18. Review status: criteria provided, single submitter. Criteria: ACMG Guidelines, 2015. Collection method: clinical testing. Allele origin: germline.

Labcorp Genetics (formerly Invitae), Labcorp
Classification: Benign. Last evaluated: 2023-04-06. Review status: criteria provided, single submitter. Criteria: Invitae Variant Classification Sherloc (09022015). Collection method: clinical testing. Allele origin: germline.

Illumina Laboratory Services, Illumina
Classification: Likely benign for Epidermolytic palmoplantar keratoderma, 1. Last evaluated: 2018-01-12. Review status: criteria provided, single submitter. Criteria: ICSL Variant Classification Criteria 13 December 2019. Collection method: clinical testing. Allele origin: germline.
Comment: This variant was observed in the ICSL laboratory as part of a predisposition screen in an ostensibly healthy population. It had not been previously curated by ICSL or reported in the Human Gene Mutation Database (HGMD: prior to June 1st, 2018), and was therefore a candidate for classification through an automated scoring system. Utilizing variant allele frequency, disease prevalence and penetrance estimates, and inheritance mode, an automated score was calculated to assess if this variant is too frequent to cause the disease. Based on the score and internal cut-off values, a variant classified as likely benign is not then subjected to further curation. The score for this variant resulted in a classification of likely benign for this disease.

Breakthrough Genomics
Classification: Likely benign. Review status: criteria provided, single submitter. Criteria: ACMG Guidelines, 2015. Collection method: not provided. Allele origin: germline. Inheritance: Autosomal dominant inheritance. Affected: yes.

NM_000226.4(KRT9):c.510G>A (p.Lys170=)

Gene: KRT9 (keratin 9; minus strand). Cytogenetic location: 17q21.2.
Variant type: single nucleotide variant.
Coding change: c.510G>A on transcript NM_000226.4 (MANE Select); coding-DNA position 510, G replaced by A.
Protein change: p.Lys170=; no amino-acid change (lysine 170 retained).
Molecular consequence: synonymous variant.
Genome position (GRCh38, 1-based): chr17:41,571,483, C>T on the plus strand (G>A on the coding strand, the complement: KRT9 is on the minus strand). VCF-style: chr17-41571483-C-T. GRCh37 (hg19) VCF-style: chr17-39727735-C-T.
Identifiers: ClinVar variation 323136 (VCV000323136.11), dbSNP rs116096066, ClinGen allele CA8562230.